The following is an entry in ClinVar:

NM_002691.4(POLD1):c.958G>T (p.Ala320Ser)

Gene: POLD1 (DNA polymerase delta 1, catalytic subunit; plus strand). Cytogenetic location: 19q13.33.
Variant type: single nucleotide variant.
Coding change: c.958G>T on transcript NM_002691.4 (MANE Select); coding-DNA position 958, G replaced by T.
Protein change: p.Ala320Ser; replaces alanine 320 with serine.
Molecular consequence: missense variant. On other transcripts: non-coding transcript variant (1).
Genome position (GRCh38, 1-based): chr19:50,402,729, G>T. VCF-style: chr19-50402729-G-T. GRCh37 (hg19) VCF-style: chr19-50905986-G-T.
Other names: c.958G>T, p.Ala320Ser (NM_001256849.1, NM_001308632.1); short protein forms A320S.
Identifiers: ClinVar variation 823345 (VCV000823345.15), dbSNP rs1488821062, ClinGen allele CA406977418.
Genomic context (GRCh38, chr19:50,402,729, plus strand): 5'-CCGGAAGGGCCATGGCAGCGCATTGCGCCCTTGCGCGTGCTCAGCTTCGATATCGAGTGC[G>T]CCGGCCGCAAAGGTCTGTCCCCGGGCCCGGGCTCCTGCCCGCCTCATTGATGTGCCAAGT-3'
Protein context (NP_002682.2, residues 310-330): LRVLSFDIEC[Ala320Ser]GRKGIFPEPE

ClinVar aggregate classification (germline): Uncertain significance. Review status: criteria provided, multiple submitters, no conflicts (2 of 4 stars). 2 submissions from 2 submitters: Uncertain significance (2). Last evaluated 2024-07-24.

Conditions:
Hereditary cancer-predisposing syndrome. Also called: Hereditary Cancer Syndrome; Hereditary neoplastic syndrome; Neoplastic Syndromes, Hereditary; Tumor predisposition. Identifiers: Orphanet 140162, MedGen C0027672, MeSH D009386, MONDO:0015356.
POLD1-related polyposis and colorectal cancer syndrome (CRCS10). Also called: Colorectal cancer, susceptibility to, 10; Colorectal cancer 10; COLORECTAL CANCER, SUSCEPTIBILITY TO, ON CHROMOSOME 19q. Identifiers: Orphanet 220460, MedGen C2675481, MONDO:0012953, OMIM 612591.

Submissions (2):

Ambry Genetics
Classification: Uncertain significance for Hereditary cancer-predisposing syndrome. Last evaluated: 2024-07-24. Review status: criteria provided, single submitter. Criteria: Ambry Variant Classification Scheme 2023. Collection method: clinical testing. Allele origin: germline.
Comment: The p.A320S variant (also known as c.958G>T), located in coding exon 7 of the POLD1 gene, results from a G to T substitution at nucleotide position 958. The alanine at codon 320 is replaced by serine, an amino acid with similar properties. This amino acid position is highly conserved in available vertebrate species. In addition, this alteration is predicted to be tolerated by in silico analysis. Since supporting evidence is limited at this time, the clinical significance of this alteration remains unclear.

Labcorp Genetics (formerly Invitae), Labcorp
Classification: Uncertain significance for POLD1-related polyposis and colorectal cancer syndrome. Last evaluated: 2022-11-02. Review status: criteria provided, single submitter. Criteria: Invitae Variant Classification Sherloc (09022015). Collection method: clinical testing. Allele origin: germline.
Comment: In summary, the available evidence is currently insufficient to determine the role of this variant in disease. Therefore, it has been classified as a Variant of Uncertain Significance. Advanced modeling of protein sequence and biophysical properties (such as structural, functional, and spatial information, amino acid conservation, physicochemical variation, residue mobility, and thermodynamic stability) performed at Invitae indicates that this missense variant is not expected to disrupt POLD1 protein function. ClinVar contains an entry for this variant (Variation ID: 823345). This variant has not been reported in the literature in individuals affected with POLD1-related conditions. This variant is not present in population databases (gnomAD no frequency). This sequence change replaces alanine, which is neutral and non-polar, with serine, which is neutral and polar, at codon 320 of the POLD1 protein (p.Ala320Ser).